The following is an entry in ClinVar:

NM_198578.4(LRRK2):c.2591T>C (p.Phe864Ser)

Gene: LRRK2 (leucine rich repeat kinase 2; plus strand). Cytogenetic location: 12q12.
Variant type: single nucleotide variant.
Coding change: c.2591T>C on transcript NM_198578.4 (MANE Select); coding-DNA position 2591, T replaced by C.
Protein change: p.Phe864Ser; replaces phenylalanine 864 with serine.
Molecular consequence: missense variant.
Genome position (GRCh38, 1-based): chr12:40,287,441, T>C. VCF-style: chr12-40287441-T-C. GRCh37 (hg19) VCF-style: chr12-40681243-T-C.
Other names: short protein forms F864S.
Identifiers: ClinVar variation 3540500 (VCV003540500.1).
Genomic context (GRCh38, chr12:40,287,441, plus strand): 5'-TCAGATATCAGATGAAAAGTGCTGTGGAAGAAGGAACAGCCTCAGGCAGCGATGGAAATT[T>C]TTCTGAAGATGTGCTGTCTAAATTTGATGAATGGACCTTTATTCCTGACTCTTCTATGGA-3'
Protein context (NP_940980.4, residues 854-874): EGTASGSDGN[Phe864Ser]SEDVLSKFDE

ClinVar aggregate classification (germline): Uncertain significance (1 of 4 stars; one submission).

Conditions:
Inborn genetic diseases. Identifiers: MedGen C0950123, MeSH D030342.

Submission:

Ambry Genetics
Classification: Uncertain significance for Inborn genetic diseases. Last evaluated: 2024-08-19. Review status: criteria provided, single submitter. Criteria: Ambry Variant Classification Scheme 2023. Collection method: clinical testing. Allele origin: germline.
Comment: The p.F864S variant (also known as c.2591T>C), located in coding exon 20 of the LRRK2 gene, results from a T to C substitution at nucleotide position 2591. The phenylalanine at codon 864 is replaced by serine, an amino acid with highly dissimilar properties. This amino acid position is conserved. In addition, this alteration is predicted to be tolerated by in silico analysis. Based on the available evidence, the clinical significance of this variant remains unclear.